The following is an entry in ClinVar:

ClinVar aggregate classification (germline): Likely benign (1 of 4 stars; one submission).

Submission:

GeneDx
Classification: Likely benign. Last evaluated: 2026-03-03. Review status: criteria provided, single submitter. Criteria: GeneDx Variant Classification Process June 2021. Collection method: clinical testing. Allele origin: germline.
Comment: See Variant Classification Assertion Criteria.

NM_014515.7(CNOT2):c.917G>A (p.Gly306Asp)

Gene: CNOT2 (CCR4-NOT transcription complex subunit 2; plus strand). Cytogenetic location: 12q15.
Variant type: single nucleotide variant.
Coding change: c.917G>A on transcript NM_014515.7 (MANE Select); coding-DNA position 917, G replaced by A.
Protein change: p.Gly306Asp; replaces glycine 306 with aspartic acid.
Molecular consequence: missense variant. On other transcripts: non-coding transcript variant (1).
Genome position (GRCh38, 1-based): chr12:70,338,459, G>A. VCF-style: chr12-70338459-G-A. GRCh37 (hg19) VCF-style: chr12-70732239-G-A.
Other names: c.917G>A, p.Gly306Asp (NM_001199302.2, NM_001199303.2, NM_001414651.1 and 1 more transcripts); c.890G>A, p.Gly297Asp (NM_001414653.1, NM_001414654.1, NM_001414655.1); c.875G>A, p.Gly292Asp (NM_001414656.1); c.857G>A, p.Gly286Asp (NM_001414657.1, NM_001414658.1, NM_001414659.1 and 1 more transcripts); c.794G>A, p.Gly265Asp (NM_001414661.1); c.734G>A, p.Gly245Asp (NM_001414662.1); short protein forms G245D, G265D, G286D, G292D, G297D, G306D.
Identifiers: ClinVar variation 3765997 (VCV003765997.2).
Genomic context (GRCh38, chr12:70,338,459, plus strand): 5'-TACTTAACAAATTTTAATGTCACATTTAATTTTTTTCATGCTAGAATTTGAATACATCTG[G>A]CAAGACAACTTCAAGTACAGATGGACCCAAATTCCCTGGAGATAAAAGTTCAACAACACA-3'
Protein context (NP_055330.1, residues 296-316): DDSKSNLNTS[Gly306Asp]KTTSSTDGPK